The following is an entry in ClinVar:

ClinVar aggregate classification (germline): Benign. Review status: criteria provided, multiple submitters, no conflicts (2 of 4 stars). 3 submissions from 3 submitters: Benign (2). 1 of the submissions does not count toward it. Last evaluated 2019-02-04.

Conditions:
FLG-related disorder. Also called: FLG-related disorders; FLG-related condition.

Allele frequency attached by ClinVar (database versions not stated): ExAC 0.00454; 1000 Genomes Project 0.01258; 1000 Genomes Project 30x 0.01312; gnomAD 0.01500 and 0.01617; TOPMed 0.01686.
gnomAD v4.1: 4,403 of 1,614,040 alleles (0.27%); highest among the groups gnomAD compares: African/African-American, 5.1%; 131 homozygotes.

Submissions (3):

GeneDx
Classification: Benign. Last evaluated: 2019-02-04. Review status: criteria provided, single submitter. Criteria: GeneDx Variant Classification Process June 2021. Collection method: clinical testing. Allele origin: germline. Affected: yes.

Breakthrough Genomics
Classification: Benign. Review status: criteria provided, single submitter. Criteria: ACMG Guidelines, 2015. Collection method: not provided. Allele origin: germline. Inheritance: Autosomal dominant inheritance. Affected: yes.

PreventionGenetics, part of Exact Sciences
Classification: Benign for FLG-related condition. Last evaluated: 2019-11-08. Review status: no assertion criteria provided. Collection method: clinical testing. Allele origin: germline. Not counted in ClinVar's aggregate classification.
Comment: This variant is classified as benign based on ACMG/AMP sequence variant interpretation guidelines (Richards et al. 2015 PMID: 25741868, with internal and published modifications).

NM_002016.2(FLG):c.2072G>A (p.Gly691Glu)

Genes: CCDST (cervical cancer associated DHX9 suppressive transcript; plus strand), FLG (filaggrin; minus strand). Cytogenetic location: 1q21.3.
Variant type: single nucleotide variant.
Coding change: c.2072G>A on transcript NM_002016.2 (MANE Select); coding-DNA position 2072, G replaced by A.
Protein change: p.Gly691Glu; replaces glycine 691 with glutamic acid.
Molecular consequence: missense variant.
Genome position (GRCh38, 1-based): chr1:152,312,814, C>T on the plus strand (G>A on the coding strand, the complement: FLG is on the minus strand). VCF-style: chr1-152312814-C-T. GRCh37 (hg19) VCF-style: chr1-152285290-C-T.
Other names: short protein forms G691E.
Identifiers: ClinVar variation 1228120 (VCV001228120.6), dbSNP rs114762657, ClinGen allele CA1107340.